The following is an entry in ClinVar:

NM_006245.4(PPP2R5D):c.1183G>C (p.Glu395Gln)

Gene: PPP2R5D (protein phosphatase 2 regulatory subunit B'delta; plus strand). Cytogenetic location: 6p21.1.
Variant type: single nucleotide variant.
Coding change: c.1183G>C on transcript NM_006245.4 (MANE Select); coding-DNA position 1183, G replaced by C.
Protein change: p.Glu395Gln; replaces glutamic acid 395 with glutamine.
Molecular consequence: missense variant.
Genome position (GRCh38, 1-based): chr6:43,009,159, G>C. VCF-style: chr6-43009159-G-C. GRCh37 (hg19) VCF-style: chr6-42976897-G-C.
Other names: c.730G>C, p.Glu244Gln (NM_001270476.2); c.1087G>C, p.Glu363Gln (NM_180976.3); c.865G>C, p.Glu289Gln (NM_180977.3); short protein forms E289Q, E244Q, E363Q, E395Q.
Identifiers: ClinVar variation 2735898 (VCV002735898.3), dbSNP rs1762235038, ClinGen allele CA364193749.
Genomic context (GRCh38, chr6:43,009,159, plus strand): 5'-CCCAAGGAGGTGATGTTCTTGAATGAGCTGGAGGAGATTCTGGACGTCATTGAACCTTCT[G>C]AGTTCAGCAAAGTGATGGAACCCCTCTTCCGCCAGCTGGCCAAGTGTGTCTCTAGCCCCC-3'
Protein context (NP_006236.1, residues 385-405): EEILDVIEPS[Glu395Gln]FSKVMEPLFR

ClinVar aggregate classification (germline): Uncertain significance (1 of 4 stars; one submission).

Allele frequency attached by ClinVar (database versions not stated): gnomAD exomes below 0.00001; gnomAD 0.00001.
gnomAD v4.1: 7 of 1,613,990 alleles (0.00043%); highest among the groups gnomAD compares: Non-Finnish European, 0.00059%; no homozygotes.

Submission:

Labcorp Genetics (formerly Invitae), Labcorp
Classification: Uncertain significance. Last evaluated: 2023-12-23. Review status: criteria provided, single submitter. Criteria: Invitae Variant Classification Sherloc (09022015). Collection method: clinical testing. Allele origin: germline.
Comment: This sequence change replaces glutamic acid, which is acidic and polar, with glutamine, which is neutral and polar, at codon 395 of the PPP2R5D protein (p.Glu395Gln). This variant is not present in population databases (gnomAD no frequency). This variant has not been reported in the literature in individuals affected with PPP2R5D-related conditions. An algorithm developed to predict the effect of missense changes on protein structure and function (PolyPhen-2) suggests that this variant is likely to be disruptive. In summary, the available evidence is currently insufficient to determine the role of this variant in disease. Therefore, it has been classified as a Variant of Uncertain Significance.